The following is an entry in ClinVar:

NM_004614.5(TK2):c.623A>G (p.Tyr208Cys)

Gene: TK2 (thymidine kinase 2; minus strand). Cytogenetic location: 16q21.
Variant type: single nucleotide variant.
Coding change: c.623A>G on transcript NM_004614.5 (MANE Select); coding-DNA position 623, A replaced by G.
Protein change: p.Tyr208Cys; replaces tyrosine 208 with cysteine.
Molecular consequence: missense variant. On other transcripts: non-coding transcript variant (1).
Genome position (GRCh38, 1-based): chr16:66,513,807, T>C on the plus strand (A>G on the coding strand, the complement: TK2 is on the minus strand). VCF-style: chr16-66513807-T-C. GRCh37 (hg19) VCF-style: chr16-66547710-T-C.
Other names: c.530A>G, p.Tyr177Cys (NM_001172643.1); c.548A>G, p.Tyr183Cys (NM_001172644.2); c.569A>G, p.Tyr190Cys (NM_001172645.2); c.476A>G, p.Tyr159Cys (NM_001271934.2); c.361A>G, p.Thr121Ala (NM_001271935.1); c.332A>G, p.Tyr111Cys (NM_001272050.2); short protein forms T121A, Y111C, Y159C, Y177C, Y183C, Y190C, Y208C.
Identifiers: ClinVar variation 1190844 (VCV001190844.15), dbSNP rs1964523180, ClinGen allele CA396187352.

ClinVar aggregate classification (germline): Pathogenic/Likely pathogenic. Review status: criteria provided, multiple submitters, no conflicts (2 of 4 stars). 4 submissions from 4 submitters: Pathogenic (2); Likely pathogenic (2). Last evaluated 2026-01-12.

Conditions:
Progressive external ophthalmoplegia with mitochondrial DNA deletions, autosomal recessive 3 (PEOB3). Also called: PROGRESSIVE EXTERNAL OPHTHALMOPLEGIA, AUTOSOMAL RECESSIVE 3. Identifiers: Orphanet 254886, MedGen C4310734, MONDO:0014898, OMIM 617069.
Mitochondrial DNA depletion syndrome, myopathic form (MTDPS2). Also called: MITOCHONDRIAL DNA DEPLETION SYNDROME 2 (MYOPATHIC TYPE); TK2-Related Mitochondrial DNA Maintenance Defect, Myopathic Form; MITOCHONDRIAL DNA DEPLETION MYOPATHY, TK2-RELATED. Identifiers: Orphanet 254875, MedGen C3149750, MONDO:0012301, OMIM 609560.
Mitochondrial disease. Also called: Mitochondrial disorders; Mitochondrial disorder. Identifiers: Orphanet 68380, MedGen C0751651, MeSH D028361, MONDO:0044970.

Allele frequency attached by ClinVar (database versions not stated): gnomAD exomes below 0.00001; TOPMed 0.00001.
gnomAD v4.1: 2 of 1,613,836 alleles (0.00012%); highest among the groups gnomAD compares: East Asian, 0.0022%; no homozygotes.

Submissions (4):

Labcorp Genetics (formerly Invitae), Labcorp
Classification: Pathogenic. Last evaluated: 2026-01-12. Review status: criteria provided, single submitter. Criteria: Invitae Variant Classification Sherloc (09022015). Collection method: clinical testing. Allele origin: germline.
Comment: This sequence change replaces tyrosine, which is neutral and polar, with cysteine, which is neutral and slightly polar, at codon 208 of the TK2 protein (p.Tyr208Cys). This variant is not present in population databases (gnomAD no frequency). This missense change has been observed in individuals with TK2-related conditions (PMID: 29735374, 31060578, 38544965). ClinVar contains an entry for this variant (Variation ID: 1190844). Invitae Evidence Modeling of protein sequence and biophysical properties (such as structural, functional, and spatial information, amino acid conservation, physicochemical variation, residue mobility, and thermodynamic stability) indicates that this missense variant is expected to disrupt TK2 protein function with a positive predictive value of 95%. For these reasons, this variant has been classified as Pathogenic.

Genomenon, Inc
Classification: Likely pathogenic for Mitochondrial disease. Last evaluated: 2025-11-24. Review status: criteria provided, single submitter. Criteria: Genomenon Sequence Variant Interpretation Standards - Updated. Collection method: curation. Allele origin: germline. Affected: yes.
Comment: TK2 p.Tyr208Cys (c.623A>G) is a missense variant that changes the amino acid at residue 208 from Tyrosine to Cysteine. This variant has been observed in multiple probands affected with mitochondrial disease in both the homozygous and compound heterozygous state and was found to segregate with disease in at least one family (31125140, 35286480, 31060578, 38544965). This variant is not present at a significant frequency in gnomAD, and in silico models agree that this variant is possibly or probably damaging. In conclusion, we classify TK2 p.Tyr208Cys (c.623A>G) as a likely pathogenic variant.

GeneDx
Classification: Pathogenic. Last evaluated: 2024-12-06. Review status: criteria provided, single submitter. Criteria: GeneDx Variant Classification Process June 2021. Collection method: clinical testing. Allele origin: germline. Affected: yes.
Comment: Not observed at significant frequency in large population cohorts (gnomAD); In silico analysis supports that this missense variant has a deleterious effect on protein structure/function; This variant is associated with the following publications: (PMID: 29735374, 25948719, 31060578, 38544965)

Fulgent Genetics
Classification: Likely pathogenic for Mitochondrial DNA depletion syndrome, myopathic form; Progressive external ophthalmoplegia with mitochondrial DNA deletions, autosomal recessive 3. Last evaluated: 2024-05-15. Review status: criteria provided, single submitter. Criteria: ACMG Guidelines, 2015. Collection method: clinical testing. Allele origin: germline.

Literature cited by the submitters: PubMed 29735374 (cited by Labcorp Genetics (formerly Invitae), Labcorp); PubMed 31060578 (cited by Labcorp Genetics (formerly Invitae), Labcorp and Genomenon, Inc); PubMed 38544965 (cited by Labcorp Genetics (formerly Invitae), Labcorp and Genomenon, Inc); PubMed 31125140 (cited by Genomenon, Inc); PubMed 35286480 (cited by Genomenon, Inc).